The following is an entry in ClinVar:

ClinVar aggregate classification (germline): Likely benign (0 of 4 stars; one submission).

Conditions:
DGUOK-related disorder. Also called: DGUOK-related condition.

Allele frequency attached by ClinVar (database versions not stated): ExAC 0.00001; gnomAD 0.00001; TOPMed 0.00001.
gnomAD v4.1: 4 of 1,613,236 alleles (0.00025%); highest among the groups gnomAD compares: African/African-American, 0.0013%; no homozygotes.

Submission:

PreventionGenetics, part of Exact Sciences
Classification: Likely benign for DGUOK-related condition. Last evaluated: 2023-08-22. Review status: no assertion criteria provided. Collection method: clinical testing. Allele origin: germline.
Comment: This variant is classified as likely benign based on ACMG/AMP sequence variant interpretation guidelines (Richards et al. 2015 PMID: 25741868, with internal and published modifications).

NM_080916.3(DGUOK):c.-2G>T

Gene: DGUOK (deoxyguanosine kinase; plus strand). Cytogenetic location: 2p13.1.
Variant type: single nucleotide variant.
Coding change: c.-2G>T on transcript NM_080916.3 (MANE Select); 2 bases upstream of the start codon, G replaced by T.
Molecular consequence: 5 prime UTR variant. On other transcripts: non-coding transcript variant (6).
Genome position (GRCh38, 1-based): chr2:73,926,909, G>T. VCF-style: chr2-73926909-G-T. GRCh37 (hg19) VCF-style: chr2-74154036-G-T.
Other names: c.-2G>T (NM_001318859.2, NM_080918.3); c.-180G>T (NM_001318860.2, NM_001318863.2); c.-266G>T (NM_001318861.2, NM_001318862.2).
Identifiers: ClinVar variation 3029487 (VCV003029487.2), dbSNP rs753441865, ClinGen allele CA1718116.